The following is an entry in ClinVar:

NM_001100913.3(PACS2):c.1782C>T (p.Gly594=)

Gene: PACS2 (phosphofurin acidic cluster sorting protein 2; plus strand). Cytogenetic location: 14q32.33.
Variant type: single nucleotide variant.
Coding change: c.1782C>T on transcript NM_001100913.3 (MANE Select); coding-DNA position 1782, C replaced by T.
Protein change: p.Gly594=; no amino-acid change (glycine 594 retained).
Molecular consequence: synonymous variant.
Genome position (GRCh38, 1-based): chr14:105,384,354, C>T. VCF-style: chr14-105384354-C-T. GRCh37 (hg19) VCF-style: chr14-105850691-C-T.
Other names: c.1545C>T, p.Gly515= (NM_001243127.3); c.1770C>T, p.Gly590= (NM_015197.4).
Identifiers: ClinVar variation 1673406 (VCV001673406.12), dbSNP rs1262208640, ClinGen allele CA488204974.
Genomic context (GRCh38, chr14:105,384,354, plus strand): 5'-TGGGAGCCTTGCAGCTCCGAGTCCCCCGTGGTGACACCAGCCCCACCCCTGGCATGCAGG[C>T]TCCCACCCCGTGGCCAGGTACCTAGGCTCCGTGGACTACCGCTACAACAACTTCTTCCAG-3'
Protein context (NP_001094383.2, residues 584-604): GYMRFLVIPL[Gly594=]SHPVARYLGS

ClinVar aggregate classification (germline): Likely benign. Review status: criteria provided, multiple submitters, no conflicts (2 of 4 stars). 2 submissions from 2 submitters: Likely benign (2). Last evaluated 2026-03-01.

Allele frequency attached by ClinVar (database versions not stated): gnomAD exomes below 0.00001 and 0.00002; gnomAD 0.00001; TOPMed 0.00004.
gnomAD v4.1: 9 of 1,598,128 alleles (0.00056%); highest among the groups gnomAD compares: Admixed American, 0.0083%; no homozygotes.

Submissions (2):

CeGaT Center for Human Genetics Tuebingen
Classification: Likely benign. Last evaluated: 2026-03-01. Review status: criteria provided, single submitter. Criteria: CeGaT Center For Human Genetics Tuebingen Variant Classification Criteria Version 2. Collection method: clinical testing. Allele origin: germline. Affected: yes. Observed: 1 variant allele.
Comment: PACS2: BP4, BP7

Labcorp Genetics (formerly Invitae), Labcorp
Classification: Likely benign. Last evaluated: 2025-05-17. Review status: criteria provided, single submitter. Criteria: Invitae Variant Classification Sherloc (09022015). Collection method: clinical testing. Allele origin: germline.